The following is an entry in ClinVar:

ClinVar aggregate classification (germline): Uncertain significance (1 of 4 stars; one submission).

Allele frequency attached by ClinVar (database versions not stated): ExAC 0.00001.

Submission:

Labcorp Genetics (formerly Invitae), Labcorp
Classification: Uncertain significance. Last evaluated: 2022-06-08. Review status: criteria provided, single submitter. Criteria: Invitae Variant Classification Sherloc (09022015). Collection method: clinical testing. Allele origin: germline.
Comment: This sequence change replaces proline, which is neutral and non-polar, with leucine, which is neutral and non-polar, at codon 81 of the TUBG1 protein (p.Pro81Leu). This variant is present in population databases (rs755018755, gnomAD 0.003%). This variant has not been reported in the literature in individuals affected with TUBG1-related conditions. Algorithms developed to predict the effect of missense changes on protein structure and function (SIFT, PolyPhen-2, Align-GVGD) all suggest that this variant is likely to be tolerated. In summary, the available evidence is currently insufficient to determine the role of this variant in disease. Therefore, it has been classified as a Variant of Uncertain Significance.

NM_001070.5(TUBG1):c.242C>T (p.Pro81Leu)

Gene: TUBG1 (tubulin gamma 1; plus strand). Cytogenetic location: 17q21.2.
Variant type: single nucleotide variant.
Coding change: c.242C>T on transcript NM_001070.5 (MANE Select); coding-DNA position 242, C replaced by T.
Protein change: p.Pro81Leu; replaces proline 81 with leucine.
Molecular consequence: missense variant.
Genome position (GRCh38, 1-based): chr17:42,610,502, C>T. VCF-style: chr17-42610502-C-T. GRCh37 (hg19) VCF-style: chr17-40762520-C-T.
Other names: short protein forms P81L.
Identifiers: ClinVar variation 1913895 (VCV001913895.5), dbSNP rs755018755, ClinGen allele CA8579805.